The following is an entry in ClinVar:

NM_001170535.3(ATAD3A):c.966C>T (p.Pro322=)

Gene: ATAD3A (ATPase family AAA domain containing 3A; plus strand). Cytogenetic location: 1p36.33.
Variant type: single nucleotide variant.
Coding change: c.966C>T on transcript NM_001170535.3 (MANE Select); coding-DNA position 966, C replaced by T.
Protein change: p.Pro322=; no amino-acid change (proline 322 retained).
Molecular consequence: synonymous variant.
Genome position (GRCh38, 1-based): chr1:1,523,841, C>T. VCF-style: chr1-1523841-C-T. GRCh37 (hg19) VCF-style: chr1-1459221-C-T.
Other names: c.729C>T, p.Pro243= (NM_001170536.3); c.1110C>T, p.Pro370= (NM_018188.5).
Identifiers: ClinVar variation 3250647 (VCV003250647.18), dbSNP rs150477823.

ClinVar aggregate classification (germline): Likely benign (1 of 4 stars; one submission).

Allele frequency attached by ClinVar (database versions not stated): gnomAD 0.00002; TOPMed 0.00002; ExAC 0.00003; gnomAD exomes 0.00003; ESP Exome Variant Server 0.00008.
gnomAD v4.1: 45 of 1,613,842 alleles (0.0028%); highest among the groups gnomAD compares: Non-Finnish European, 0.0036%; no homozygotes.

Submission:

CeGaT Center for Human Genetics Tuebingen
Classification: Likely benign. Last evaluated: 2024-06-01. Review status: criteria provided, single submitter. Criteria: CeGaT Center For Human Genetics Tuebingen Variant Classification Criteria Version 2. Collection method: clinical testing. Allele origin: germline. Affected: yes. Observed: 1 variant allele.
Comment: ATAD3A: BP4, BP7